The following is an entry in ClinVar:

ClinVar aggregate classification (germline): Uncertain significance. Review status: criteria provided, multiple submitters, no conflicts (2 of 4 stars). 2 submissions from 2 submitters: Uncertain significance (2). Last evaluated 2022-08-16.

Conditions:
Cardiovascular phenotype. Identifiers: MedGen CN230736.
Walker-Warburg congenital muscular dystrophy. Also called: Muscular dystrophy-dystroglycanopathy, type A; Walker-Warburg syndrome. Identifiers: Orphanet 899, MedGen C0265221, MONDO:0000171.

Allele frequency attached by ClinVar (database versions not stated): TOPMed below 0.00001; gnomAD 0.00001; gnomAD exomes 0.00001 and 0.00002; ExAC 0.00002.
gnomAD v4.1: 14 of 1,612,688 alleles (0.00087%); highest among the groups gnomAD compares: Admixed American, 0.0067%; no homozygotes.

Submissions (2):

Labcorp Genetics (formerly Invitae), Labcorp
Classification: Uncertain significance for Walker-Warburg congenital muscular dystrophy. Last evaluated: 2022-08-16. Review status: criteria provided, single submitter. Criteria: Invitae Variant Classification Sherloc (09022015). Collection method: clinical testing. Allele origin: germline.
Comment: This sequence change replaces threonine, which is neutral and polar, with alanine, which is neutral and non-polar, at codon 98 of the FKTN protein (p.Thr98Ala). This variant is present in population databases (rs758798692, gnomAD 0.01%). This variant has not been reported in the literature in individuals affected with FKTN-related conditions. ClinVar contains an entry for this variant (Variation ID: 650653). Algorithms developed to predict the effect of missense changes on protein structure and function output the following: SIFT: "Tolerated"; PolyPhen-2: "Benign"; Align-GVGD: "Class C0". The alanine amino acid residue is found in multiple mammalian species, which suggests that this missense change does not adversely affect protein function. In summary, the available evidence is currently insufficient to determine the role of this variant in disease. Therefore, it has been classified as a Variant of Uncertain Significance.

Ambry Genetics
Classification: Uncertain significance for Cardiovascular phenotype. Last evaluated: 2018-09-13. Review status: criteria provided, single submitter. Criteria: Ambry Variant Classification Scheme 2023. Collection method: clinical testing. Allele origin: germline.
Comment: The p.T98A variant (also known as c.292A>G), located in coding exon 3 of the FKTN gene, results from an A to G substitution at nucleotide position 292. The threonine at codon 98 is replaced by alanine, an amino acid with similar properties. This amino acid position is not well conserved in available vertebrate species, and alanine is the reference amino acid in other vertebrate species. In addition, this alteration is predicted to be tolerated by in silico analysis. Since supporting evidence is limited at this time, the clinical significance of this alteration remains unclear.

NM_001079802.2(FKTN):c.292A>G (p.Thr98Ala)

Gene: FKTN (fukutin; plus strand). Cytogenetic location: 9q31.2.
Variant type: single nucleotide variant.
Coding change: c.292A>G on transcript NM_001079802.2 (MANE Select); coding-DNA position 292, A replaced by G.
Protein change: p.Thr98Ala; replaces threonine 98 with alanine.
Molecular consequence: missense variant. On other transcripts: 5 prime UTR variant (4), non-coding transcript variant (2).
Genome position (GRCh38, 1-based): chr9:105,601,271, A>G. VCF-style: chr9-105601271-A-G. GRCh37 (hg19) VCF-style: chr9-108363552-A-G.
Other names: c.292A>G, p.Thr98Ala (NM_001198963.2, NM_001351496.2, NM_001351498.2 and 1 more transcripts); c.223A>G, p.Thr75Ala (NM_001351497.2); c.-223A>G (NM_001351499.2, NM_001351500.2, NM_001351501.2 and 1 more transcripts); short protein forms T75A, T98A.
Identifiers: ClinVar variation 650653 (VCV000650653.5), dbSNP rs758798692, ClinGen allele CA5170364.
Genomic context (GRCh38, chr9:105,601,271, plus strand): 5'-TTGATACTGGAATTGATTAATAAGAACTTTGAACAAGTCAAAAATACTTCTCATGGCTCT[A>G]CTTCACAATGCAAGTTTTTCTGTGTTCCAAGAGACTTTACTGCATTTGCACTGCAGTATC-3'
Protein context (NP_001073270.1, residues 88-108): EQVKNTSHGS[Thr98Ala]SQCKFFCVPR